The following is an entry in ClinVar:

ClinVar aggregate classification (germline): Uncertain significance. Review status: criteria provided, multiple submitters, no conflicts (2 of 4 stars). 2 submissions from 2 submitters: Uncertain significance (2). Last evaluated 2026-01-29.

Allele frequency attached by ClinVar (database versions not stated): gnomAD exomes 0.00001; TOPMed 0.00001; ExAC 0.00003.

Submissions (2):

Labcorp Genetics (formerly Invitae), Labcorp
Classification: Uncertain significance. Last evaluated: 2026-01-29. Review status: criteria provided, single submitter. Criteria: Invitae Variant Classification Sherloc (09022015). Collection method: clinical testing. Allele origin: germline.
Comment: This sequence change replaces glutamine, which is neutral and polar, with leucine, which is neutral and non-polar, at codon 57 of the SRA1 protein (p.Gln57Leu). This variant is present in population databases (rs767704820, gnomAD 0.05%). This variant has not been reported in the literature in individuals affected with SRA1-related conditions. ClinVar contains an entry for this variant (Variation ID: 2468409). An algorithm developed to predict the effect of missense changes on protein structure and function (PolyPhen-2) suggests that this variant is likely to be disruptive. In summary, the available evidence is currently insufficient to determine the role of this variant in disease. Therefore, it has been classified as a Variant of Uncertain Significance.

Ambry Genetics
Classification: Uncertain significance. Last evaluated: 2025-03-01. Review status: criteria provided, single submitter. Criteria: Ambry Variant Classification Scheme 2023. Collection method: clinical testing. Allele origin: germline.

NM_001035235.4(SRA1):c.134A>T (p.Gln45Leu)

Gene: SRA1 (steroid receptor RNA activator 1; minus strand). Cytogenetic location: 5q31.3.
Variant type: single nucleotide variant.
Coding change: c.134A>T on transcript NM_001035235.4 (MANE Select); coding-DNA position 134, A replaced by T.
Protein change: p.Gln45Leu; replaces glutamine 45 with leucine.
Molecular consequence: missense variant. On other transcripts: non-coding transcript variant (2).
Genome position (GRCh38, 1-based): chr5:140,557,164, T>A on the plus strand (A>T on the coding strand, the complement: SRA1 is on the minus strand). VCF-style: chr5-140557164-T-A. GRCh37 (hg19) VCF-style: chr5-139936749-T-A.
Other names: c.289A>T, p.Arg97Trp (NM_001253764.2); short protein forms R97W, Q45L.
Identifiers: ClinVar variation 2468409 (VCV002468409.4), dbSNP rs767704820, ClinGen allele CA3440711.
Genomic context (GRCh38, chr5:140,557,164, plus strand): 5'-CCCCCATTCTCCGTCTGTCTCCGAGCACAGGGGCCCCACGCACCTCTGGGGGATCCATCC[T>A]GGGGTGCGGCGACCCTCTTGGTAAGCAGCGAGCGCCTGGGTCCGCCGGCCTGGGTCTGCA-3'
Protein context (NP_001030312.3, residues 35-55): SLLTKRVAAP[Gln45Leu]DGSPRVPASE